The following is an entry in ClinVar:

ClinVar aggregate classification (germline): Uncertain significance (1 of 4 stars; one submission).

Conditions:
Primary ciliary dyskinesia. Also called: Ciliary dyskinesia. Identifiers: Orphanet 244, MedGen C0008780, MONDO:0016575, HP:0012265.

gnomAD v4.1: 2 of 1,612,076 alleles (0.00012%); highest among the groups gnomAD compares: Non-Finnish European, 0.00017%; no homozygotes.

Submission:

Ambry Genetics
Classification: Uncertain significance for Primary ciliary dyskinesia. Last evaluated: 2025-09-17. Review status: criteria provided, single submitter. Criteria: Ambry Variant Classification Scheme 2023. Collection method: clinical testing. Allele origin: germline.
Comment: The p.I484T variant (also known as c.1451T>C), located in coding exon 11 of the CCDC39 gene, results from a T to C substitution at nucleotide position 1451. The isoleucine at codon 484 is replaced by threonine, an amino acid with similar properties. This amino acid position is conserved. In addition, this alteration is predicted to be tolerated by in silico analysis. Based on the available evidence, the clinical significance of this variant remains unclear.

NM_181426.2(CCDC39):c.1451T>C (p.Ile484Thr)

Gene: CCDC39 (coiled-coil domain 39 molecular ruler complex subunit; minus strand). Cytogenetic location: 3q26.33.
Variant type: single nucleotide variant.
Coding change: c.1451T>C on transcript NM_181426.2 (MANE Select); coding-DNA position 1451, T replaced by C.
Protein change: p.Ile484Thr; replaces isoleucine 484 with threonine.
Molecular consequence: missense variant.
Genome position (GRCh38, 1-based): chr3:180,647,155, A>G on the plus strand (T>C on the coding strand, the complement: CCDC39 is on the minus strand). VCF-style: chr3-180647155-A-G. GRCh37 (hg19) VCF-style: chr3-180364943-A-G.
Other names: short protein forms I484T.
Identifiers: ClinVar variation 3486695 (VCV003486695.1).
Genomic context (GRCh38, chr3:180,647,155, plus strand): 5'-TGTGTTTCCAAAAGGCCACATGTAGATTTTTTCTCTTCCAAAGACTTCCTAAGTTCAACA[A>G]TTTTTGCTTCAAGCGCTTGTTTTTCTTCTGAATTAATTTCTCCCTTTAACCGTGACATTC-3'
Protein context (NP_852091.1, residues 474-494): SEEKQALEAK[Ile484Thr]VELRKSLEEK